The following is an entry in ClinVar:

ClinVar aggregate classification (germline): Uncertain significance (1 of 4 stars; one submission).

Submission:

Mayo Clinic Laboratories, Mayo Clinic
Classification: Uncertain significance. Last evaluated: 2023-02-01. Review status: criteria provided, single submitter. Criteria: ACMG Guidelines, 2015. Collection method: clinical testing. Allele origin: germline. Observed: 1 variant allele.
Comment: BP3

NM_014244.5(ADAMTS2):c.2536AAC[3] (p.Asn847_Val848insAsn)

Gene: ADAMTS2 (ADAM metallopeptidase with thrombospondin type 1 motif 2; minus strand). Cytogenetic location: 5q35.3.
Variant type: Microsatellite.
Coding change: c.2536AAC[3] on transcript NM_014244.5 (MANE Select); three copies in a row of the 3-base unit AAC starting at c.2536; the reference has two copies in a row; one copy, 3 bases duplicated; also written c.2539_2541dup.
Protein change: p.Asn847_Val848insAsn.
Genome position (GRCh38, 1-based): chr5:179,128,035-179,128,037, GTT duplicated on the plus strand (AAC on the coding strand, the reverse complement: ADAMTS2 is on the minus strand); duplicating any 3 consecutive bases within chr5:179,128,035-179,128,042 gives the same sequence; the position shown is the placement nearest the transcript's 3' end. VCF-style (leftmost placement, unchanged base first): chr5-179128034-C-CGTT. GRCh37 (hg19) VCF-style: chr5-178555035-C-CGTT.
Other names: p.Asn847dup; c.2539_2541dup (NM_014244.5).
Identifiers: ClinVar variation 2682912 (VCV002682912.1), dbSNP rs755513065, ClinGen allele CA3595519.